The following is an entry in ClinVar:

NM_030962.4(SBF2):c.5493T>C (p.Asp1831=)

Genes: SBF2 (SET binding factor 2; minus strand), SBF2-AS1 (SBF2 antisense RNA 1; plus strand). Cytogenetic location: 11p15.4.
Variant type: single nucleotide variant.
Coding change: c.5493T>C on transcript NM_030962.4 (MANE Select); coding-DNA position 5493, T replaced by C.
Protein change: p.Asp1831=; no amino-acid change (aspartic acid 1831 retained).
Molecular consequence: synonymous variant.
Genome position (GRCh38, 1-based): chr11:9,780,475, A>G on the plus strand (T>C on the coding strand, the complement: SBF2 is on the minus strand). VCF-style: chr11-9780475-A-G. GRCh37 (hg19) VCF-style: chr11-9802022-A-G.
Other names: c.5589T>C, p.Asp1863= (NM_001386339.1); c.5364T>C, p.Asp1788= (NM_001386342.1).
Identifiers: ClinVar variation 705112 (VCV000705112.13), dbSNP rs779051883, ClinGen allele CA5880686.
Genomic context (GRCh38, chr11:9,780,475, plus strand): 5'-GCATCAGGCATCAGAGATACAACTCTGGATCTTGTCCATCCATTGCTGGGCACTCTGTCC[A>G]TCCTGGGCGCAGAAGTTATACACACGTTTGCTGGTCTTGAGCTACAAAACCAAATGACAG-3'
Protein context (NP_112224.1, residues 1821-1841): SKRVYNFCAQ[Asp1831=]GQSAQQWMDK

ClinVar aggregate classification (germline): Likely benign. Review status: criteria provided, multiple submitters, no conflicts (2 of 4 stars). 3 submissions from 3 submitters: Likely benign (3). Last evaluated 2026-02-10.

Conditions:
Charcot-Marie-Tooth disease type 4. Also called: Charcot-Marie-Tooth disease, type IV; Charcot-Marie-Tooth, Type 4. Identifiers: Orphanet 64749, MedGen C4082197, MONDO:0018995.
SBF2-related disorder. Also called: SBF2-related condition.

Allele frequency attached by ClinVar (database versions not stated): TOPMed 0.00002; ExAC 0.00003; gnomAD 0.00003 and 0.00004; gnomAD exomes 0.00003.
gnomAD v4.1: 48 of 1,614,050 alleles (0.003%); highest among the groups gnomAD compares: Non-Finnish European, 0.0037%; no homozygotes.

Submissions (3):

PreventionGenetics, part of Exact Sciences
Classification: Likely benign for SBF2-related condition. Last evaluated: 2026-02-10. Review status: criteria provided, single submitter. Criteria: ACMG Guidelines, 2015. Collection method: clinical testing. Allele origin: germline.
Comment: This variant is classified as likely benign based on ACMG/AMP sequence variant interpretation guidelines (Richards et al. 2015 PMID: 25741868, with internal and published modifications).

Labcorp Genetics (formerly Invitae), Labcorp
Classification: Likely benign for Charcot-Marie-Tooth disease type 4. Last evaluated: 2024-08-20. Review status: criteria provided, single submitter. Criteria: Invitae Variant Classification Sherloc (09022015). Collection method: clinical testing. Allele origin: germline.

Athena Diagnostics
Classification: Likely benign. Last evaluated: 2020-03-12. Review status: criteria provided, single submitter. Criteria: Athena Diagnostics Criteria. Collection method: clinical testing. Allele origin: unknown.